The following is an entry in ClinVar:

ClinVar aggregate classification (germline): Conflicting classifications of pathogenicity. Review status: criteria provided, conflicting classifications (1 of 4 stars). 2 submissions from 2 submitters: Uncertain significance (1); Likely benign (1). Last evaluated 2024-11-19.

Conditions:
Spondylocostal dysostosis 3, autosomal recessive (SCDO3). Also called: LFNG-Related Spondylocostal Dysostosis, Autosomal Recessive. Identifiers: Orphanet 2311, MedGen C1853296, MONDO:0012349, OMIM 609813.

Allele frequency attached by ClinVar (database versions not stated): gnomAD exomes 0.00004 and 0.00007; gnomAD 0.00006 and 0.00007; TOPMed 0.00006; ESP Exome Variant Server 0.00008; ExAC 0.00009; 1000 Genomes Project 0.00020; 1000 Genomes Project 30x 0.00031.
gnomAD v4.1: 72 of 1,612,368 alleles (0.0045%); highest among the groups gnomAD compares: Middle Eastern, 0.033%; no homozygotes.

Submissions (2):

Blueprint Genetics
Classification: Likely benign. Last evaluated: 2024-11-19. Review status: criteria provided, single submitter. Criteria: ACMG Guidelines, 2015. Collection method: clinical testing. Allele origin: germline.

Labcorp Genetics (formerly Invitae), Labcorp
Classification: Uncertain significance for Spondylocostal dysostosis 3, autosomal recessive. Last evaluated: 2021-10-27. Review status: criteria provided, single submitter. Criteria: Invitae Variant Classification Sherloc (09022015). Collection method: clinical testing. Allele origin: germline.
Comment: This sequence change replaces valine, which is neutral and non-polar, with isoleucine, which is neutral and non-polar, at codon 225 of the LFNG protein (p.Val225Ile). This variant is present in population databases (rs76051534, gnomAD 0.01%). This variant has not been reported in the literature in individuals affected with LFNG-related conditions. Algorithms developed to predict the effect of missense changes on protein structure and function output the following: SIFT: "Tolerated"; PolyPhen-2: "Benign"; Align-GVGD: "Class C0". The isoleucine amino acid residue is found in multiple mammalian species, which suggests that this missense change does not adversely affect protein function. In summary, the available evidence is currently insufficient to determine the role of this variant in disease. Therefore, it has been classified as a Variant of Uncertain Significance.

NM_001040167.2(LFNG):c.673G>A (p.Val225Ile)

Gene: LFNG (LFNG O-fucosylpeptide 3-beta-N-acetylglucosaminyltransferase; plus strand). Cytogenetic location: 7p22.3.
Variant type: single nucleotide variant.
Coding change: c.673G>A on transcript NM_001040167.2 (MANE Select); coding-DNA position 673, G replaced by A.
Protein change: p.Val225Ile; replaces valine 225 with isoleucine.
Molecular consequence: missense variant.
Genome position (GRCh38, 1-based): chr7:2,525,505, G>A. VCF-style: chr7-2525505-G-A. GRCh37 (hg19) VCF-style: chr7-2565139-G-A.
Other names: c.673G>A, p.Val225Ile (NM_001040168.2); c.460G>A, p.Val154Ile (NM_001166355.2); c.286G>A, p.Val96Ile (NM_002304.3); short protein forms V96I, V225I, V154I.
Identifiers: ClinVar variation 1496281 (VCV001496281.4), dbSNP rs76051534, ClinGen allele CA4127071.